The following is an entry in ClinVar:

NM_052945.4(TNFRSF13C):c.46C>G (p.Pro16Ala)

Genes: TNFRSF13C (TNF receptor superfamily member 13C; minus strand), LOC130067574 (ATAC-STARR-seq lymphoblastoid silent region 13813; plus strand). Cytogenetic location: 22q13.2.
Variant type: single nucleotide variant.
Coding change: c.46C>G on transcript NM_052945.4 (MANE Select); coding-DNA position 46, C replaced by G.
Protein change: p.Pro16Ala; replaces proline 16 with alanine.
Molecular consequence: missense variant.
Genome position (GRCh38, 1-based): chr22:41,926,728, G>C on the plus strand (C>G on the coding strand, the complement: TNFRSF13C is on the minus strand). VCF-style: chr22-41926728-G-C. GRCh37 (hg19) VCF-style: chr22-42322732-G-C.
Other names: short protein forms P16A.
Identifiers: ClinVar variation 2868995 (VCV002868995.3), dbSNP rs2518792116, ClinGen allele CA411763823.
Genomic context (GRCh38, chr22:41,926,728, plus strand): 5'-CGCAGGCCACGCAGTGGCGGACCAGCAGGTCGAAGCACTCGGCCGGGACGCAGGGCGTGG[G>C]GGCTGGCGCGTCCCTGCCCCGCAGGCTCCGGGGCCCTCGCCTCATGGTGCCGACGCCGCC-3'
Protein context (NP_443177.1, residues 6-26): RSLRGRDAPA[Pro16Ala]TPCVPAECFD

ClinVar aggregate classification (germline): Uncertain significance (1 of 4 stars; one submission).

Conditions:
Immunodeficiency, common variable, 4. Also called: ANTIBODY DEFICIENCY DUE TO BAFFR DEFECT. Identifiers: Orphanet 1572, Orphanet 696925, MedGen C3150739, MONDO:0013284, OMIM 613494.

Submission:

Labcorp Genetics (formerly Invitae), Labcorp
Classification: Uncertain significance for Immunodeficiency, common variable, 4. Last evaluated: 2023-04-23. Review status: criteria provided, single submitter. Criteria: Invitae Variant Classification Sherloc (09022015). Collection method: clinical testing. Allele origin: germline.
Comment: In summary, the available evidence is currently insufficient to determine the role of this variant in disease. Therefore, it has been classified as a Variant of Uncertain Significance. An algorithm developed to predict the effect of missense changes on protein structure and function (PolyPhen-2) suggests that this variant is likely to be disruptive. This variant has not been reported in the literature in individuals affected with TNFRSF13C-related conditions. This variant is not present in population databases (gnomAD no frequency). This sequence change replaces proline, which is neutral and non-polar, with alanine, which is neutral and non-polar, at codon 16 of the TNFRSF13C protein (p.Pro16Ala).